The following is an entry in ClinVar:

ClinVar aggregate classification (germline): Likely pathogenic (0 of 4 stars; one submission).

Conditions:
PCNT-related disorder. Also called: PCNT-related condition.

Submission:

PreventionGenetics, part of Exact Sciences
Classification: Likely pathogenic for PCNT-related condition. Last evaluated: 2024-07-30. Review status: no assertion criteria provided. Collection method: clinical testing. Allele origin: germline.
Comment: The PCNT c.7507G>T variant is predicted to result in premature protein termination (p.Glu2503*). To our knowledge, this variant has not been reported in the literature or in a large population database, indicating this variant is rare. Nonsense variants in PCNT are expected to be pathogenic. This variant is interpreted as likely pathogenic.

NM_006031.6(PCNT):c.7507G>T (p.Glu2503Ter)

Gene: PCNT (pericentrin; plus strand). Cytogenetic location: 21q22.3.
Variant type: single nucleotide variant.
Coding change: c.7507G>T on transcript NM_006031.6 (MANE Select); coding-DNA position 7507, G replaced by T.
Protein change: p.Glu2503Ter; replaces glutamic acid 2503 with a stop codon.
Molecular consequence: nonsense.
Genome position (GRCh38, 1-based): chr21:46,428,407, G>T. VCF-style: chr21-46428407-G-T. GRCh37 (hg19) VCF-style: chr21-47848321-G-T.
Other names: c.7153G>T, p.Glu2385Ter (NM_001315529.2); short protein forms E2385*, E2503*.
Identifiers: ClinVar variation 3346377 (VCV003346377.1).
Genomic context (GRCh38, chr21:46,428,407, plus strand): 5'-TGGGGTGGCTGCCCAATGCTCAGGCTGCTTGTCCCATTGTGCCCCCAGGGAGACCTGCAG[G>T]AAAAGTCCCTGGAGCATCTTCGCTTGCCGGACCGGAGCAGCCTGCTGTCCGAGATCCAGG-3'